The following is an entry in ClinVar:

NM_014991.6(WDFY3):c.9663G>A (p.Ser3221=)

Gene: WDFY3 (WD repeat and FYVE domain containing 3; minus strand). Cytogenetic location: 4q21.23.
Variant type: single nucleotide variant.
Coding change: c.9663G>A on transcript NM_014991.6 (MANE Select); coding-DNA position 9663, G replaced by A.
Protein change: p.Ser3221=; no amino-acid change (serine 3221 retained).
Molecular consequence: synonymous variant.
Genome position (GRCh38, 1-based): chr4:84,684,006, C>T on the plus strand (G>A on the coding strand, the complement: WDFY3 is on the minus strand). VCF-style: chr4-84684006-C-T. GRCh37 (hg19) VCF-style: chr4-85605159-C-T.
Other names: NC_000004.11:g.85605159C>T.
Identifiers: ClinVar variation 3043314 (VCV003043314.10), dbSNP rs79220654, ClinGen allele CA2992129.
Genomic context (GRCh38, chr4:84,684,006, plus strand): 5'-AACCACTCCATCTGAGTGTCCTGTCACTATGACGTTCTGCGTGTCCCATTCGTTCATCTC[C>T]GACATGCAGCAGCAGATGATCTGCTGGCTCCTACCTGTGAACGTGTTGACACTCACGATA-3'
Protein context (NP_055806.2, residues 3211-3231): RSQQIICCCM[Ser3221=]EMNEWDTQNV

ClinVar aggregate classification (germline): Likely benign. Review status: criteria provided, multiple submitters, no conflicts (2 of 4 stars). 3 submissions from 3 submitters: Likely benign (2). 1 of the submissions does not count toward it. Last evaluated 2025-11-01.

Conditions:
WDFY3-related disorder.

Allele frequency attached by ClinVar (database versions not stated): gnomAD exomes 0.00035; ExAC 0.00108; 1000 Genomes Project 0.00300; 1000 Genomes Project 30x 0.00312; gnomAD 0.00344; ESP Exome Variant Server 0.00384; TOPMed 0.00411.
gnomAD v4.1: 1,077 of 1,613,528 alleles (0.067%); highest among the groups gnomAD compares: African/African-American, 1.2%; 5 homozygotes.

Submissions (4):

CeGaT Center for Human Genetics Tuebingen
Classification: Likely benign. Last evaluated: 2025-11-01. Review status: criteria provided, single submitter. Criteria: CeGaT Center For Human Genetics Tuebingen Variant Classification Criteria Version 2. Collection method: clinical testing. Allele origin: germline. Affected: yes. Observed: 1 variant allele.
Comment: WDFY3: BP4, BP7, BS1

Blueprint Genetics
Classification: Likely benign. Last evaluated: 2024-09-18. Review status: criteria provided, single submitter. Criteria: ACMG Guidelines, 2015. Collection method: clinical testing. Allele origin: germline.

PreventionGenetics, part of Exact Sciences
Classification: Benign for WDFY3-related condition. Last evaluated: 2019-06-24. Review status: no assertion criteria provided. Collection method: clinical testing. Allele origin: germline. Not counted in ClinVar's aggregate classification.
Comment: This variant is classified as benign based on ACMG/AMP sequence variant interpretation guidelines (Richards et al. 2015 PMID: 25741868, with internal and published modifications).

Dr. Peter K. Rogan Lab, Western University
No classification provided (evidence only). Condition: Sarcoma. Review status: no classification provided. Collection method: in vitro. Allele origin: not applicable. Functional consequence: retained intron. Not counted in ClinVar's aggregate classification.